The following is an entry in ClinVar:

ClinVar aggregate classification (germline): Uncertain significance (1 of 4 stars; one submission).

Conditions:
Inborn genetic diseases. Identifiers: MedGen C0950123, MeSH D030342.

Allele frequency attached by ClinVar (database versions not stated): gnomAD exomes 0.00001; ExAC 0.00002; TOPMed 0.00002.
gnomAD v4.1: 25 of 1,612,696 alleles (0.0016%); highest among the groups gnomAD compares: Middle Eastern, 0.016%; no homozygotes.

Submission:

Ambry Genetics
Classification: Uncertain significance for Inborn genetic diseases. Last evaluated: 2025-10-27. Review status: criteria provided, single submitter. Criteria: Ambry Variant Classification Scheme 2023. Collection method: clinical testing. Allele origin: germline.
Comment: The c.2138G>A (p.R713Q) alteration is located in exon 17 (coding exon 17) of the SLC4A10 gene. This alteration results from a G to A substitution at nucleotide position 2138, causing the arginine (R) at amino acid position 713 to be replaced by a glutamine (Q). Based on data from gnomAD, the A allele has an overall frequency of 0.002% (6/248028) total alleles studied. The highest observed frequency was 0.04% (4/10008) of Ashkenazi Jewish alleles. Based on insufficient or conflicting evidence, the clinical significance of this alteration remains unclear.

NM_001178015.2(SLC4A10):c.2138G>A (p.Arg713Gln)

Gene: SLC4A10 (solute carrier family 4 member 10; plus strand). Cytogenetic location: 2q24.2.
Variant type: single nucleotide variant.
Coding change: c.2138G>A on transcript NM_001178015.2 (MANE Select); coding-DNA position 2138, G replaced by A.
Protein change: p.Arg713Gln; replaces arginine 713 with glutamine.
Molecular consequence: missense variant.
Genome position (GRCh38, 1-based): chr2:161,947,600, G>A. VCF-style: chr2-161947600-G-A. GRCh37 (hg19) VCF-style: chr2-162804110-G-A.
Other names: c.2048G>A, p.Arg683Gln (NM_001354446.2, NM_001354450.2, NM_022058.4); c.2084G>A, p.Arg695Gln (NM_001354447.2, NM_001354443.2); c.2078G>A, p.Arg693Gln (NM_001354448.2); c.2045G>A, p.Arg682Gln (NM_001354449.2, NM_001354451.2); c.1901G>A, p.Arg634Gln (NM_001354453.2); c.1469G>A, p.Arg490Gln (NM_001354455.2); c.2174G>A, p.Arg725Gln (NM_001354460.2, NM_001354461.2); c.2081G>A, p.Arg694Gln (NM_001178016.2, NM_001354445.2); and 3 more; short protein forms R682Q, R712Q, R713Q, R724Q, R490Q, R634Q, R683Q, R693Q.
Identifiers: ClinVar variation 2380804 (VCV002380804.3), dbSNP rs148092998, ClinGen allele CA1931599.